The following is an entry in ClinVar:

NM_001144967.3(NEDD4L):c.786G>C (p.Glu262Asp)

Gene: NEDD4L (NEDD4 like E3 ubiquitin protein ligase; plus strand). Cytogenetic location: 18q21.31.
Variant type: single nucleotide variant.
Coding change: c.786G>C on transcript NM_001144967.3 (MANE Select); coding-DNA position 786, G replaced by C.
Protein change: p.Glu262Asp; replaces glutamic acid 262 with aspartic acid.
Molecular consequence: missense variant.
Genome position (GRCh38, 1-based): chr18:58,329,100, G>C. VCF-style: chr18-58329100-G-C. GRCh37 (hg19) VCF-style: chr18-55996332-G-C.
Other names: c.423G>C, p.Glu141Asp (NM_001144964.1, NM_001144965.2, NM_001144966.3 and 2 more transcripts); c.762G>C, p.Glu254Asp (NM_001144968.2, NM_001144969.2); c.786G>C, p.Glu262Asp (NM_001243960.2, NM_015277.6); short protein forms E262D, E141D, E254D.
Identifiers: ClinVar variation 2849763 (VCV002849763.3), dbSNP rs2516326865, ClinGen allele CA402554641.

ClinVar aggregate classification (germline): Uncertain significance (1 of 4 stars; one submission).

Submission:

Labcorp Genetics (formerly Invitae), Labcorp
Classification: Uncertain significance. Last evaluated: 2023-11-27. Review status: criteria provided, single submitter. Criteria: Invitae Variant Classification Sherloc (09022015). Collection method: clinical testing. Allele origin: germline.
Comment: This sequence change replaces glutamic acid, which is acidic and polar, with aspartic acid, which is acidic and polar, at codon 262 of the NEDD4L protein (p.Glu262Asp). This variant is not present in population databases (gnomAD no frequency). This variant has not been reported in the literature in individuals affected with NEDD4L-related conditions. Advanced modeling of protein sequence and biophysical properties (such as structural, functional, and spatial information, amino acid conservation, physicochemical variation, residue mobility, and thermodynamic stability) performed at Invitae indicates that this missense variant is not expected to disrupt NEDD4L protein function with a negative predictive value of 80%. In summary, the available evidence is currently insufficient to determine the role of this variant in disease. Therefore, it has been classified as a Variant of Uncertain Significance.